The following is an entry in ClinVar:

NM_001142800.2(EYS):c.4597_4613del (p.Ser1533fs)

Gene: EYS (EGF-like photoreceptor maintenance factor; minus strand). Cytogenetic location: 6q12.
Variant type: Deletion.
Coding change: c.4597_4613del on transcript NM_001142800.2 (MANE Select); coding-DNA positions 4597 to 4613, 17 bases deleted (TCAAGCAACCAGAGACT).
Protein change: p.Ser1533fs; shifts the reading frame from serine 1533.
Molecular consequence: frameshift variant.
Genome position (GRCh38, 1-based): chr6:64,591,254-64,591,270, AGTCTCTGGTTGCTTGA deleted on the plus strand (TCAAGCAACCAGAGACT on the coding strand, the reverse complement: EYS is on the minus strand); deleting any 17 consecutive bases within chr6:64,591,254-64,591,272 gives the same sequence; the c. name uses the placement nearest the transcript's 3' end. VCF-style (leftmost placement, unchanged base first): chr6-64591253-GAGTCTCTGGTTGCTTGA-G. GRCh37 (hg19) VCF-style: chr6-65301146-GAGTCTCTGGTTGCTTGA-G.
Other names: c.4597_4613del, p.Ser1533fs (NM_001292009.2); short protein forms S1533fs.
Identifiers: ClinVar variation 3905035 (VCV003905035.11).

ClinVar aggregate classification (germline): Pathogenic. Review status: criteria provided, multiple submitters, no conflicts (2 of 4 stars). 2 submissions from 2 submitters: Pathogenic (2). Last evaluated 2026-06-15.

Conditions:
Retinitis pigmentosa 25 (RP25). Identifiers: Orphanet 791, MedGen C1864446, MONDO:0011272, OMIM 602772.

Submissions (2):

Myriad Genetics, Inc.
Classification: Pathogenic for Retinitis pigmentosa 25. Last evaluated: 2026-06-15. Review status: criteria provided, single submitter. Criteria: Myriad Autosomal Dominant, Autosomal Recessive and X-Linked Classification Criteria (2023). Collection method: clinical testing. Allele origin: unknown.
Comment: NM_001142800.1(EYS):c.4597_4613del17(S1533Hfs*9) is a frameshift variant classified as pathogenic in the context of retinitis pigmentosa, EYS-related. S1533Hfs*9 has been observed in cases with relevant disease (PMID: 30543658, 38927562). Relevant functional assessments of this variant are not available in the literature. S1533Hfs*9 has not been observed in referenced population frequency databases. In summary, NM_001142800.1(EYS):c.4597_4613del17(S1533Hfs*9) is a frameshift variant in a gene where loss of function is a known mechanism of disease, is predicted to disrupt protein function, and has been observed more frequently in cases with the relevant disease than in healthy populations. Please note: this variant was assessed in the context of healthy population screening.

CeGaT Center for Human Genetics Tuebingen
Classification: Pathogenic. Last evaluated: 2025-04-01. Review status: criteria provided, single submitter. Criteria: CeGaT Center For Human Genetics Tuebingen Variant Classification Criteria Version 2. Collection method: clinical testing. Allele origin: germline. Affected: yes. Observed: 1 variant allele.
Comment: EYS: PVS1, PM2, PM3:Supporting

Literature cited by the submitters: PubMed 30543658 (cited by Myriad Genetics, Inc.); PubMed 38927562 (cited by Myriad Genetics, Inc.).